The following is an entry in ClinVar:

ClinVar aggregate classification (germline): Likely benign. Review status: criteria provided, multiple submitters, no conflicts (2 of 4 stars). 7 submissions from 7 submitters: Likely benign (6). 1 of the submissions does not count toward it. Last evaluated 2024-09-23.

Conditions:
BRCA1-related cancer predisposition. Identifiers: MedGen CN377757, MONDO:0700268.
Hereditary cancer-predisposing syndrome. Also called: Hereditary Cancer Syndrome; Neoplastic Syndromes, Hereditary; Hereditary neoplastic syndrome; Tumor predisposition. Identifiers: Orphanet 140162, MedGen C0027672, MeSH D009386, MONDO:0015356.
Breast-ovarian cancer, familial, susceptibility to, 1 (BROVCA1). Also called: BRCA1 Hereditary Breast and Ovarian Cancer; OVARIAN CANCER, SUSCEPTIBILITY TO. Identifiers: Orphanet 145, MedGen C2676676, MONDO:0011450, OMIM 604370. Disease mechanism: loss of function.
Hereditary breast ovarian cancer syndrome. Also called: Hereditary breast and/or ovarian cancer syndrome; Hereditary breast and ovarian cancer syndrome; Hereditary breast and ovarian cancer; Hereditary breast and ovarian cancer syndrome (HBOC); Breast and ovarian cancer; BRCA1- and BRCA2-Associated Hereditary Breast and Ovarian Cancer. Identifiers: Orphanet 145, MedGen C0677776, MeSH D061325, MONDO:0003582. Disease mechanism: loss of function.

Allele frequency attached by ClinVar (database versions not stated): gnomAD exomes 0.00001.
gnomAD v4.1: 12 of 1,600,518 alleles (0.00075%); highest among the groups gnomAD compares: Non-Finnish European, 0.001%; no homozygotes.

Submissions (8):

All of Us Research Program, National Institutes of Health
Classification: Likely benign for BRCA1-related cancer predisposition. Last evaluated: 2024-09-23. Review status: criteria provided, single submitter. Criteria: ACMG Guidelines, 2015. Collection method: clinical testing. Allele origin: germline. Inheritance: Autosomal dominant inheritance. Observed: 2 variant alleles, 2 heterozygotes.
Comment: This study involves interpretation of variants in research participants for the purpose of population health screening. Participant phenotype was not available at the time of variant classification. Additional details can be found in publication PMID: 35346344, PMCID: PMC8962531

Labcorp Genetics (formerly Invitae), Labcorp
Classification: Likely benign for Hereditary breast ovarian cancer syndrome. Last evaluated: 2023-09-10. Review status: criteria provided, single submitter. Criteria: Invitae Variant Classification Sherloc (09022015). Collection method: clinical testing. Allele origin: germline.

Department of Pathology and Laboratory Medicine, Sinai Health System
Classification: Likely benign for Hereditary breast ovarian cancer syndrome. Last evaluated: 2023-07-06. Review status: criteria provided, single submitter. Criteria: ACMG Guidelines, 2015. Collection method: clinical testing. Allele origin: germline. Affected: yes.

Ambry Genetics
Classification: Likely benign for Hereditary cancer-predisposing syndrome. Last evaluated: 2020-03-19. Review status: criteria provided, single submitter. Criteria: Ambry Variant Classification Scheme 2023. Collection method: clinical testing. Allele origin: germline.

GeneDx
Classification: Likely benign. Last evaluated: 2019-03-19. Review status: criteria provided, single submitter. Criteria: GeneDx Variant Classification Process June 2021. Collection method: clinical testing. Allele origin: germline. Affected: yes.
Comment: This variant is associated with the following publications: (PMID: 23893897, 30209399, 21673748, 22505045)

Color Diagnostics, LLC DBA Color Health
Classification: Likely benign for Hereditary cancer-predisposing syndrome. Last evaluated: 2018-10-04. Review status: criteria provided, single submitter. Criteria: ACMG Guidelines, 2015. Collection method: clinical testing. Allele origin: germline.

Sharing Clinical Reports Project (SCRP)
Classification: Uncertain significance for Breast-ovarian cancer, familial 1. Last evaluated: 2012-05-01. Review status: no assertion criteria provided. Collection method: clinical testing. Allele origin: germline. Not counted in ClinVar's aggregate classification.

Brotman Baty Institute, University of Washington
No classification provided (evidence only). Condition: Breast-ovarian cancer, familial 1. Review status: no classification provided. Collection method: in vitro. Allele origin: not applicable. Functional consequence: functionally_normal. Not counted in ClinVar's aggregate classification.
ClinVar note: "not provided" was previously submitted as the classification for the variant. However, the classification appeared to be based only on an observation of functional data so it was converted to no classification on 2025-07-30.

Literature cited by the submitters: PubMed 22505045 (cited by Department of Pathology and Laboratory Medicine, Sinai Health System and Ambry Genetics); PubMed 21673748 (cited by Department of Pathology and Laboratory Medicine, Sinai Health System).

NM_007294.4(BRCA1):c.5074+5A>T

Gene: BRCA1 (BRCA1 DNA repair associated; minus strand). Cytogenetic location: 17q21.31.
Variant type: single nucleotide variant.
Coding change: c.5074+5A>T on transcript NM_007294.4 (MANE Select); 5 bases into the intron after coding-DNA position 5074, A replaced by T.
Molecular consequence: intron variant.
Genome position (GRCh38, 1-based): chr17:43,067,603, T>A on the plus strand (A>T on the coding strand, the complement: BRCA1 is on the minus strand). VCF-style: chr17-43067603-T-A. GRCh37 (hg19) VCF-style: chr17-41219620-T-A.
Other names: IVS17+5A>T; c.1621+5A>T (NM_001408458.1, NM_001408461.1, NM_001408464.1 and 7 more transcripts); c.4183+5A>T (NM_001407967.1); c.4693+5A>T (NM_001407959.1); c.4807+5A>T (NM_001407931.1, NM_001407932.1, NM_001407928.1 and 4 more transcripts); c.4930+5A>T (NM_001407747.1, NM_001407745.1, NM_001407737.1 and 21 more transcripts); c.4690+5A>T (NM_001407962.1, NM_001407960.1); c.1261+5A>T (NM_001408512.1); and 72 more.
Identifiers: ClinVar variation 96938 (VCV000096938.23), dbSNP rs431825411, ClinGen allele CA003198.
Genomic context (GRCh38, chr17:43,067,603, plus strand): 5'-CGTGCCTCGCCTCATGTGGTTTTATGCAGCAGATGCAAGGTATTCTGTAAAGGTTCTTGG[T>A]ATACCTGTTTTCATAACAACATGAGTAGTCTCTTCAGTAATTAGATTAGTTAAAGTGATG-3'